The following is an entry in ClinVar:

NM_001379451.1(BCORL1):c.3097T>C (p.Ser1033Pro)

Gene: BCORL1 (BCL6 corepressor like 1; plus strand). Cytogenetic location: Xq26.1.
Variant type: single nucleotide variant.
Coding change: c.3097T>C on transcript NM_001379451.1 (MANE Select); coding-DNA position 3097, T replaced by C.
Protein change: p.Ser1033Pro; replaces serine 1033 with proline.
Molecular consequence: missense variant.
Genome position (GRCh38, 1-based): chrX:130,015,869, T>C. VCF-style: chrX-130015869-T-C. GRCh37 (hg19) VCF-style: chrX-129149845-T-C.
Other names: c.3097T>C, p.Ser1033Pro (NM_001184772.3, NM_001379450.1, NM_021946.5); short protein forms S1033P.
Identifiers: ClinVar variation 3392780 (VCV003392780.2).

ClinVar aggregate classification (germline): Uncertain significance. Review status: criteria provided, multiple submitters, no conflicts (2 of 4 stars). 2 submissions from 2 submitters: Uncertain significance (2). Last evaluated 2025-11-12.

Submissions (2):

Ambry Genetics
Classification: Uncertain significance. Last evaluated: 2025-11-12. Review status: criteria provided, single submitter. Criteria: Ambry Variant Classification Scheme 2023. Collection method: clinical testing. Allele origin: germline.

GeneDx
Classification: Uncertain significance. Last evaluated: 2024-06-21. Review status: criteria provided, single submitter. Criteria: GeneDx Variant Classification Process June 2021. Collection method: clinical testing. Allele origin: germline. Affected: yes.
Comment: Not observed at significant frequency in large population cohorts (gnomAD); In silico analysis indicates that this missense variant does not alter protein structure/function; Has not been previously published as pathogenic or benign to our knowledge